The following is an entry in ClinVar:

NM_015662.3(IFT172):c.1209del (p.Phe403fs)

Gene: IFT172 (intraflagellar transport 172; minus strand). Cytogenetic location: 2p23.3.
Variant type: Deletion.
Coding change: c.1209del on transcript NM_015662.3 (MANE Select); coding-DNA position 1209, one base deleted (T; older notation c.1209delT).
Protein change: p.Phe403fs; shifts the reading frame from phenylalanine 403.
Molecular consequence: frameshift variant.
Genome position (GRCh38, 1-based): chr2:27,477,571, A deleted on the plus strand (T on the coding strand, the reverse complement: IFT172 is on the minus strand); the first of 3 consecutive A bases (chr2:27,477,571-27,477,573); deleting any one gives the same sequence. VCF-style (leftmost placement, unchanged base first): chr2-27477570-CA-C. GRCh37 (hg19) VCF-style: chr2-27700437-CA-C.
Other names: short protein forms F403fs.
Identifiers: ClinVar variation 1390470 (VCV001390470.6), dbSNP rs2148542989, ClinGen allele CA2573134435.
Genomic context (GRCh38, chr2:27,477,570, plus strand): 5'-CTAGAAGGAGGCTTATCAAGATGGTGATGGTGAATCAAGCTCTACTCACATTCTCATTTT[CA>C]AAGAAATACTTCTCATTGCCACCAGATCCTTGCCAGGCTATCTGTAACGGGAGAAGACTT-3'

ClinVar aggregate classification (germline): Pathogenic (1 of 4 stars; one submission).

Conditions:
Short-rib thoracic dysplasia 10 with or without polydactyly (SRTD10). Identifiers: Orphanet 474, MedGen C3810175, MONDO:0014284, OMIM 615630.
Retinitis pigmentosa 71 (RP71). Identifiers: Orphanet 791, MedGen C4225342, MONDO:0014618, OMIM 616394.

Submission:

Labcorp Genetics (formerly Invitae), Labcorp
Classification: Pathogenic for Retinitis pigmentosa 71; Short-rib thoracic dysplasia 10 with or without polydactyly. Last evaluated: 2022-08-23. Review status: criteria provided, single submitter. Criteria: Invitae Variant Classification Sherloc (09022015). Collection method: clinical testing. Allele origin: germline.
Comment: This sequence change creates a premature translational stop signal (p.Phe403Leufs*8) in the IFT172 gene. It is expected to result in an absent or disrupted protein product. Loss-of-function variants in IFT172 are known to be pathogenic (PMID: 24140113). This variant is not present in population databases (gnomAD no frequency). This variant has not been reported in the literature in individuals affected with IFT172-related conditions. ClinVar contains an entry for this variant (Variation ID: 1390470). Algorithms developed to predict the effect of sequence changes on RNA splicing suggest that this variant may disrupt the consensus splice site. For these reasons, this variant has been classified as Pathogenic.

Literature cited by the submitters: PubMed 24140113.